The following is an entry in ClinVar:

ClinVar aggregate classification (germline): Likely benign. Review status: criteria provided, multiple submitters, no conflicts (2 of 4 stars). 9 submissions from 9 submitters: Likely benign (6). 3 of the submissions do not count toward it. Last evaluated 2025-11-21.

Conditions:
Cardiovascular phenotype. Identifiers: MedGen CN230736.
Cardiomyopathy (CMYO). Also called: Cardiomyopathies. Identifiers: Orphanet 167848, MedGen C0878544, MONDO:0004994, HP:0001638. Inheritance: Various modes of inheritance.
Hypertrophic cardiomyopathy. Also called: HYPERTROPHIC MYOCARDIOPATHY. Identifiers: Orphanet 217569, MedGen C0007194, MeSH D002312, MONDO:0005045, HP:0001639.

Allele frequency attached by ClinVar (database versions not stated): ExAC 0.00002; gnomAD exomes 0.00002; TOPMed 0.00002; gnomAD 0.00003; 1000 Genomes Project 30x 0.00016; 1000 Genomes Project 0.00020.
gnomAD v4.1: 21 of 1,613,944 alleles (0.0013%); highest among the groups gnomAD compares: Middle Eastern, 0.016%; no homozygotes.

Submissions (9):

Labcorp Genetics (formerly Invitae), Labcorp
Classification: Likely benign for Hypertrophic cardiomyopathy. Last evaluated: 2025-11-21. Review status: criteria provided, single submitter. Criteria: Invitae Variant Classification Sherloc (09022015). Collection method: clinical testing. Allele origin: germline.

Molecular Diagnostic Laboratory for Inherited Cardiovascular Disease, Montreal Heart Institute
Classification: Likely benign. Last evaluated: 2025-04-09. Review status: criteria provided, single submitter. Criteria: ACMG Guidelines, 2015. Collection method: clinical testing. Allele origin: germline. Affected: no.

Ambry Genetics
Classification: Likely benign for Cardiovascular phenotype. Last evaluated: 2024-09-02. Review status: criteria provided, single submitter. Criteria: Ambry Variant Classification Scheme 2023. Collection method: clinical testing. Allele origin: germline.

All of Us Research Program, National Institutes of Health
Classification: Likely benign for Cardiomyopathy. Last evaluated: 2023-10-27. Review status: criteria provided, single submitter. Criteria: ACMG Guidelines, 2015. Collection method: clinical testing. Allele origin: germline. Inheritance: Autosomal dominant inheritance. Observed: 4 variant alleles, 4 heterozygotes.
Comment: This study involves interpretation of variants in research participants for the purpose of population health screening. Participant phenotype was not available at the time of variant classification. Additional details can be found in publication PMID: 35346344, PMCID: PMC8962531

Color Diagnostics, LLC DBA Color Health
Classification: Likely benign for Cardiomyopathy. Last evaluated: 2021-10-19. Review status: criteria provided, single submitter. Criteria: ACMG Guidelines, 2015. Collection method: clinical testing. Allele origin: germline.

Blueprint Genetics
Classification: Likely benign. Last evaluated: 2021-02-18. Review status: criteria provided, single submitter. Criteria: ACMG Guidelines, 2015. Collection method: clinical testing. Allele origin: germline.

Clinical Genetics, Academic Medical Center
Classification: Benign. Review status: no assertion criteria provided. Collection method: clinical testing. Allele origin: germline. Affected: yes. Study: VKGL Data-share Consensus. Not counted in ClinVar's aggregate classification.

Diagnostic Laboratory, Department of Genetics, University Medical Center Groningen
Classification: Likely benign. Review status: no assertion criteria provided. Collection method: clinical testing. Allele origin: germline. Affected: yes. Study: VKGL Data-share Consensus. Not counted in ClinVar's aggregate classification.

Joint Genome Diagnostic Labs from Nijmegen and Maastricht, Radboudumc and MUMC+
Classification: Likely benign. Review status: no assertion criteria provided. Collection method: clinical testing. Allele origin: germline. Affected: yes. Study: VKGL Data-share Consensus. Not counted in ClinVar's aggregate classification.

NM_000257.4(MYH7):c.531C>T (p.Thr177=)

Gene: MYH7 (myosin heavy chain 7; minus strand). Cytogenetic location: 14q11.2.
Variant type: single nucleotide variant.
Coding change: c.531C>T on transcript NM_000257.4 (MANE Select); coding-DNA position 531, C replaced by T.
Protein change: p.Thr177=; no amino-acid change (threonine 177 retained).
Molecular consequence: synonymous variant.
Genome position (GRCh38, 1-based): chr14:23,431,869, G>A on the plus strand (C>T on the coding strand, the complement: MYH7 is on the minus strand). VCF-style: chr14-23431869-G-A. GRCh37 (hg19) VCF-style: chr14-23901078-G-A.
Other names: c.531C>T (LRG_384t1).
Identifiers: ClinVar variation 237438 (VCV000237438.22), dbSNP rs200035152, ClinGen allele CA046473.